The following is an entry in ClinVar:

ClinVar aggregate classification (germline): Likely pathogenic (1 of 4 stars; one submission).

Conditions:
REEP2-related disorder. Also called: REEP2-related condition.

Submission:

PreventionGenetics, part of Exact Sciences
Classification: Likely pathogenic for REEP2-related condition. Last evaluated: 2026-09-09. Review status: criteria provided, single submitter. Criteria: ACMG Guidelines, 2015. Collection method: clinical testing. Allele origin: germline.
Comment: The REEP2 c.119T>A variant is predicted to result in the amino acid substitution p.Met40Lys. This variant has been reported in the heterozygous state in an individual with spastic paraplegia, who inherited this variant from an affected parent (Meyer et al. 2023. PubMed ID: 37789688). This variant has not been reported in a large population database (gnomAD), indicating this variant is rare. Another variant affecting the same amino acid position, c.119T>G (Met40Arg), has been reported in the heterozygous state individuals with spastic paraplegia (de novo in Roda et al. 2017. PubMed ID: 28491902; Table S2, Méreaux et al. 2022. PubMed ID: 34983064; Table S2, Scriba et al. 2025. PubMed ID: 40571342; Nan et al. 2021. PubMed ID: 33526816). This variant is interpreted as likely pathogenic.

NM_001271803.2(REEP2):c.119T>A (p.Met40Lys)

Gene: REEP2 (receptor accessory protein 2; plus strand). Cytogenetic location: 5q31.2.
Variant type: single nucleotide variant.
Coding change: c.119T>A on transcript NM_001271803.2 (MANE Select); coding-DNA position 119, T replaced by A.
Protein change: p.Met40Lys; replaces methionine 40 with lysine.
Molecular consequence: missense variant. On other transcripts: non-coding transcript variant (2).
Genome position (GRCh38, 1-based): chr5:138,441,398, T>A. VCF-style: chr5-138441398-T-A. GRCh37 (hg19) VCF-style: chr5-137777087-T-A.
Other names: c.119T>A, p.Met40Lys (NM_016606.4); short protein forms M40K.
Identifiers: ClinVar variation 4991008 (VCV004991008.1).